The following is an entry in ClinVar:

NM_005006.7(NDUFS1):c.1861A>C (p.Lys621Gln)

Gene: NDUFS1 (NADH:ubiquinone oxidoreductase core subunit S1; minus strand). Cytogenetic location: 2q33.3.
Variant type: single nucleotide variant.
Coding change: c.1861A>C on transcript NM_005006.7 (MANE Select); coding-DNA position 1861, A replaced by C.
Protein change: p.Lys621Gln; replaces lysine 621 with glutamine.
Molecular consequence: missense variant.
Genome position (GRCh38, 1-based): chr2:206,127,820, T>G on the plus strand (A>C on the coding strand, the complement: NDUFS1 is on the minus strand). VCF-style: chr2-206127820-T-G. GRCh37 (hg19) VCF-style: chr2-206992544-T-G.
Other names: c.1753A>C, p.Lys585Gln (NM_001199981.2); c.1528A>C, p.Lys510Gln (NM_001199982.2); c.1690A>C, p.Lys564Gln (NM_001199983.2); c.1903A>C, p.Lys635Gln (NM_001199984.2); short protein forms K510Q, K564Q, K585Q, K621Q, K635Q.
Identifiers: ClinVar variation 4810960 (VCV004810960.1).
Genomic context (GRCh38, chr2:206,127,820, plus strand): 5'-TTAGTAGCATCACTAAGAAATGACTCAGAAATTATACCTCAGAGAGTGCTCTTATAATTT[T>G]CCAGTCTTCTCTTGCCAAGCCAGGAGGTGTCACTGCTACCTTAGTCTGCTGAGCTCTACC-3'
Protein context (NP_004997.4, residues 611-631): TPPGLAREDW[Lys621Gln]IIRALSEIAG

ClinVar aggregate classification (germline): Uncertain significance (1 of 4 stars; one submission).

Submission:

Labcorp Genetics (formerly Invitae), Labcorp
Classification: Uncertain significance. Last evaluated: 2025-11-03. Review status: criteria provided, single submitter. Criteria: Invitae Variant Classification Sherloc (09022015). Collection method: clinical testing. Allele origin: germline.
Comment: This sequence change replaces lysine, which is basic and polar, with glutamine, which is neutral and polar, at codon 621 of the NDUFS1 protein (p.Lys621Gln). This variant is not present in population databases (gnomAD no frequency). This variant has not been reported in the literature in individuals affected with NDUFS1-related conditions. Invitae Evidence Modeling of protein sequence and biophysical properties (such as structural, functional, and spatial information, amino acid conservation, physicochemical variation, residue mobility, and thermodynamic stability) indicates that this missense variant is not expected to disrupt NDUFS1 protein function with a negative predictive value of 95%. In summary, the available evidence is currently insufficient to determine the role of this variant in disease. Therefore, it has been classified as a Variant of Uncertain Significance.